The following is an entry in ClinVar:

NM_019892.6(INPP5E):c.386C>G (p.Ser129Cys)

Gene: INPP5E (inositol polyphosphate-5-phosphatase E; minus strand). Cytogenetic location: 9q34.3.
Variant type: single nucleotide variant.
Coding change: c.386C>G on transcript NM_019892.6 (MANE Select); coding-DNA position 386, C replaced by G.
Protein change: p.Ser129Cys; replaces serine 129 with cysteine.
Molecular consequence: missense variant.
Genome position (GRCh38, 1-based): chr9:136,439,034, G>C on the plus strand (C>G on the coding strand, the complement: INPP5E is on the minus strand). VCF-style: chr9-136439034-G-C. GRCh37 (hg19) VCF-style: chr9-139333486-G-C.
Other names: c.386C>G, p.Ser129Cys (NM_001318502.2); short protein forms S129C.
Identifiers: ClinVar variation 1460693 (VCV001460693.3), dbSNP rs745450500, ClinGen allele CA375569377.

ClinVar aggregate classification (germline): Uncertain significance (1 of 4 stars; one submission).

Conditions:
Joubert syndrome. Also called: CEREBELLOPARENCHYMAL DISORDER IV; JOUBERT-BOLTSHAUSER SYNDROME; Familial aplasia of the vermis. Identifiers: Orphanet 475, MedGen C5979921, MONDO:0018772.

Submission:

Labcorp Genetics (formerly Invitae), Labcorp
Classification: Uncertain significance for Joubert syndrome. Last evaluated: 2021-07-31. Review status: criteria provided, single submitter. Criteria: Invitae Variant Classification Sherloc (09022015). Collection method: clinical testing. Allele origin: germline.
Comment: This sequence change replaces serine with cysteine at codon 129 of the INPP5E protein (p.Ser129Cys). The serine residue is moderately conserved and there is a moderate physicochemical difference between serine and cysteine. The frequency data for this variant in the population databases is considered unreliable, as metrics indicate insufficient coverage at this position in the ExAC database. This variant has not been reported in the literature in individuals affected with INPP5E-related conditions. Advanced modeling of protein sequence and biophysical properties (such as structural, functional, and spatial information, amino acid conservation, physicochemical variation, residue mobility, and thermodynamic stability) performed at Invitae indicates that this missense variant is not expected to disrupt INPP5E protein function. In summary, the available evidence is currently insufficient to determine the role of this variant in disease. Therefore, it has been classified as a Variant of Uncertain Significance.